The following is an entry in ClinVar:

NM_005097.4(LGI1):c.1369G>A (p.Val457Ile)

Gene: LGI1 (leucine rich glioma inactivated 1; plus strand). Cytogenetic location: 10q23.33.
Variant type: single nucleotide variant.
Coding change: c.1369G>A on transcript NM_005097.4 (MANE Select); coding-DNA position 1369, G replaced by A.
Protein change: p.Val457Ile; replaces valine 457 with isoleucine.
Molecular consequence: missense variant. On other transcripts: intron variant (1), non-coding transcript variant (1).
Genome position (GRCh38, 1-based): chr10:93,797,498, G>A. VCF-style: chr10-93797498-G-A. GRCh37 (hg19) VCF-style: chr10-95557255-G-A.
Other names: c.839-251G>A (NM_001308275.2); c.1225G>A, p.Val409Ile (NM_001308276.2); short protein forms V409I, V457I.
Identifiers: ClinVar variation 1354226 (VCV001354226.19), dbSNP rs2134026868, ClinGen allele CA377629387.

ClinVar aggregate classification (germline): Uncertain significance. Review status: criteria provided, multiple submitters, no conflicts (2 of 4 stars). 2 submissions from 2 submitters: Uncertain significance (2). Last evaluated 2025-01-01.

Conditions:
Autosomal dominant epilepsy with auditory features. Identifiers: Orphanet 101046, MedGen C1838062, MONDO:0010898.

Allele frequency attached by ClinVar (database versions not stated): gnomAD exomes below 0.00001.
gnomAD v4.1: 1 of 1,614,212 alleles (0.000062%); highest among the groups gnomAD compares: Non-Finnish European, 0.000085%; no homozygotes.

Submissions (2):

CeGaT Center for Human Genetics Tuebingen
Classification: Uncertain significance. Last evaluated: 2025-01-01. Review status: criteria provided, single submitter. Criteria: CeGaT Center For Human Genetics Tuebingen Variant Classification Criteria Version 2. Collection method: clinical testing. Allele origin: germline. Affected: yes. Observed: 1 variant allele.
Comment: LGI1: PM2, PP2

Labcorp Genetics (formerly Invitae), Labcorp
Classification: Uncertain significance for Autosomal dominant epilepsy with auditory features. Last evaluated: 2021-10-13. Review status: criteria provided, single submitter. Criteria: Invitae Variant Classification Sherloc (09022015). Collection method: clinical testing. Allele origin: germline.
Comment: In summary, the available evidence is currently insufficient to determine the role of this variant in disease. Therefore, it has been classified as a Variant of Uncertain Significance. Algorithms developed to predict the effect of missense changes on protein structure and function are either unavailable or do not agree on the potential impact of this missense change (SIFT: "Deleterious"; PolyPhen-2: "Benign"; Align-GVGD: "Class C25"). This variant has not been reported in the literature in individuals affected with LGI1-related conditions. This variant is not present in population databases (ExAC no frequency). This sequence change replaces valine with isoleucine at codon 457 of the LGI1 protein (p.Val457Ile). The valine residue is highly conserved and there is a small physicochemical difference between valine and isoleucine.